The following is an entry in ClinVar:

NM_012208.4(HARS2):c.109-3C>G

Gene: HARS2 (histidyl-tRNA synthetase 2, mitochondrial; plus strand). Cytogenetic location: 5q31.3.
Variant type: single nucleotide variant.
Coding change: c.109-3C>G on transcript NM_012208.4 (MANE Select); 3 bases into the intron before coding-DNA position 109, C replaced by G.
Molecular consequence: intron variant. On other transcripts: 5 prime UTR variant (1).
Genome position (GRCh38, 1-based): chr5:140,693,588, C>G. VCF-style: chr5-140693588-C-G. GRCh37 (hg19) VCF-style: chr5-140073173-C-G.
Other names: c.-105C>G (NM_001278732.2); c.127-3C>G (NM_001363535.2); c.109-347C>G (NM_001278731.2); c.-102-3C>G (NM_001363536.2).
Identifiers: ClinVar variation 4056980 (VCV004056980.1).

ClinVar aggregate classification (germline): Uncertain significance (1 of 4 stars; one submission).

Submission:

GeneDx
Classification: Uncertain significance. Last evaluated: 2025-01-09. Review status: criteria provided, single submitter. Criteria: GeneDx Variant Classification Process June 2021. Collection method: clinical testing. Allele origin: germline. Affected: yes.
Comment: Not observed at significant frequency in large population cohorts (gnomAD); In silico analysis supports a deleterious effect on splicing; Has not been previously published as pathogenic or benign to our knowledge